The following is an entry in ClinVar:

ClinVar aggregate classification (germline): Conflicting classifications of pathogenicity. Review status: criteria provided, conflicting classifications (1 of 4 stars). 3 submissions from 3 submitters: Uncertain significance (2); Likely benign (1). Last evaluated 2024-03-30.

Conditions:
Cardiovascular phenotype. Identifiers: MedGen CN230736.

Allele frequency attached by ClinVar (database versions not stated): gnomAD exomes 0.00002; TOPMed 0.00002; ExAC 0.00003.
gnomAD v4.1: 22 of 1,606,548 alleles (0.0014%); highest among the groups gnomAD compares: Non-Finnish European, 0.0019%; no homozygotes.

Submissions (3):

Ambry Genetics
Classification: Uncertain significance for Cardiovascular phenotype. Last evaluated: 2024-03-30. Review status: criteria provided, single submitter. Criteria: Ambry Variant Classification Scheme 2023. Collection method: clinical testing. Allele origin: germline.
Comment: The p.M620I variant (also known as c.1860G>A), located in coding exon 5 of the ALPK3 gene, results from a G to A substitution at nucleotide position 1860. The methionine at codon 620 is replaced by isoleucine, an amino acid with highly similar properties. This amino acid position is conserved. In addition, this alteration is predicted to be tolerated by in silico analysis. Based on the available evidence, the clinical significance of this alteration remains unclear.

Labcorp Genetics (formerly Invitae), Labcorp
Classification: Uncertain significance. Last evaluated: 2024-02-15. Review status: criteria provided, single submitter. Criteria: Invitae Variant Classification Sherloc (09022015). Collection method: clinical testing. Allele origin: germline.
Comment: This sequence change replaces methionine, which is neutral and non-polar, with isoleucine, which is neutral and non-polar, at codon 620 of the ALPK3 protein (p.Met620Ile). This variant is present in population databases (rs754539409, gnomAD 0.005%). This variant has not been reported in the literature in individuals affected with ALPK3-related conditions. ClinVar contains an entry for this variant (Variation ID: 1487057). An algorithm developed to predict the effect of missense changes on protein structure and function (PolyPhen-2) suggests that this variant is likely to be tolerated. In summary, the available evidence is currently insufficient to determine the role of this variant in disease. Therefore, it has been classified as a Variant of Uncertain Significance.

Blueprint Genetics
Classification: Likely benign. Last evaluated: 2023-05-25. Review status: criteria provided, single submitter. Criteria: ACMG Guidelines, 2015. Collection method: clinical testing. Allele origin: germline.

NM_020778.5(ALPK3):c.1254G>A (p.Met418Ile)

Gene: ALPK3 (alpha kinase 3; plus strand). Cytogenetic location: 15q25.3.
Variant type: single nucleotide variant.
Coding change: c.1254G>A on transcript NM_020778.5 (MANE Select); coding-DNA position 1254, G replaced by A.
Protein change: p.Met418Ile; replaces methionine 418 with isoleucine.
Molecular consequence: missense variant.
Genome position (GRCh38, 1-based): chr15:84,840,533, G>A. VCF-style: chr15-84840533-G-A. GRCh37 (hg19) VCF-style: chr15-85383764-G-A.
Other names: c.1860G>A (NM_020778.4); short protein forms M418I.
Identifiers: ClinVar variation 1487057 (VCV001487057.10), dbSNP rs754539409, ClinGen allele CA7709154.